The following is an entry in ClinVar:

ClinVar aggregate classification (germline): Uncertain significance (1 of 4 stars; one submission).

Conditions:
Malignant hyperthermia, susceptibility to, 5 (MHS5). Also called: CACNA1S-Related Malignant Hyperthermia Susceptibility. Identifiers: Orphanet 423, MedGen C1866077, MONDO:0011163, OMIM 601887.

Submission:

All of Us Research Program, National Institutes of Health
Classification: Uncertain significance for Malignant hyperthermia, susceptibility to, 5. Last evaluated: 2023-08-28. Review status: criteria provided, single submitter. Criteria: ACMG Guidelines, 2015. Collection method: clinical testing. Allele origin: germline. Inheritance: Autosomal dominant inheritance. Observed: 1 variant allele, 1 heterozygote.
Comment: This missense variant replaces leucine with valine at codon 512 of the CACNA1S protein. Computational prediction suggests that this variant may not impact protein structure and function (internally defined REVEL score threshold <= 0.5, PMID: 27666373). To our knowledge, functional studies have not been reported for this variant. This variant has not been reported in individuals affected with CACNA1S-related disorders in the literature. This variant has not been identified in the general population by the Genome Aggregation Database (gnomAD). The available evidence is insufficient to determine the role of this variant in disease conclusively. Therefore, this variant is classified as a Variant of Uncertain Significance.

This study involves interpretation of variants in research participants for the purpose of population health screening. Participant phenotype was not available at the time of variant classification. Additional details can be found in publication PMID: 35346344, PMCID: PMC8962531

NM_000069.3(CACNA1S):c.1534C>G (p.Leu512Val)

Gene: CACNA1S (calcium voltage-gated channel subunit alpha1 S; minus strand). Cytogenetic location: 1q32.1.
Variant type: single nucleotide variant.
Coding change: c.1534C>G on transcript NM_000069.3 (MANE Select); coding-DNA position 1534, C replaced by G.
Protein change: p.Leu512Val; replaces leucine 512 with valine.
Molecular consequence: missense variant.
Genome position (GRCh38, 1-based): chr1:201,077,964, G>C on the plus strand (C>G on the coding strand, the complement: CACNA1S is on the minus strand). VCF-style: chr1-201077964-G-C. GRCh37 (hg19) VCF-style: chr1-201047092-G-C.
Other names: short protein forms L512V.
Identifiers: ClinVar variation 3073183 (VCV003073183.1), dbSNP rs2464571048, ClinGen allele CA344121545.